The following is an entry in ClinVar:

NM_007294.4(BRCA1):c.13G>A (p.Ala5Thr)

Gene: BRCA1 (BRCA1 DNA repair associated; minus strand). Cytogenetic location: 17q21.31.
Variant type: single nucleotide variant.
Coding change: c.13G>A on transcript NM_007294.4 (MANE Select); coding-DNA position 13, G replaced by A.
Protein change: p.Ala5Thr; replaces alanine 5 with threonine.
Molecular consequence: missense variant. On other transcripts: 5 prime UTR variant (1), non-coding transcript variant (1).
Genome position (GRCh38, 1-based): chr17:43,124,084, C>T on the plus strand (G>A on the coding strand, the complement: BRCA1 is on the minus strand). VCF-style: chr17-43124084-C-T. GRCh37 (hg19) VCF-style: chr17-41276101-C-T.
Other names: c.13G>A, p.Ala5Thr (NM_001408427.1, NM_001408428.1, NM_001408429.1 and 193 more transcripts); c.-248G>A (NM_001408452.1, NM_001408462.1, NM_001408463.1 and 22 more transcripts); c.-75G>A (NM_001408454.1, NM_001408459.1, NM_001408460.1 and 23 more transcripts); c.-245G>A (NM_001408455.1, NM_001408456.1, NM_001408468.1 and 11 more transcripts); c.-249G>A (NM_001408465.1, NM_001407695.1); c.-176G>A (NM_001408478.1, NM_001408479.1, NM_001408480.1 and 46 more transcripts); c.-321G>A (NM_001408482.1); c.-292G>A (NM_001408492.1, NM_001407889.1); and 8 more; short protein forms A5T.
Identifiers: ClinVar variation 867681 (VCV000867681.4), dbSNP rs1597923713, ClinGen allele CA10602135.

ClinVar aggregate classification (germline): Uncertain significance (1 of 4 stars; one submission).

Conditions:
Fanconi anemia, complementation group S (FANCS). Identifiers: MedGen C4554406, MONDO:0054748, OMIM 617883.

Submissions (2):

Department of Pathology and Laboratory Medicine, Sinai Health System
Classification: Uncertain significance for Fanconi anemia, complementation group S. Last evaluated: 2022-07-11. Review status: criteria provided, single submitter. Criteria: ACMG Guidelines, 2015. Collection method: clinical testing. Allele origin: germline.

Brotman Baty Institute, University of Washington
No classification provided (evidence only). Condition: Breast-ovarian cancer, familial 1. Review status: no classification provided. Collection method: in vitro. Allele origin: not applicable. Functional consequence: functionally_normal. Not counted in ClinVar's aggregate classification.
ClinVar note: "not provided" was previously submitted as the classification for the variant. However, the classification appeared to be based only on an observation of functional data so it was converted to no classification on 2025-07-30.